The following is an entry in ClinVar:

NM_000166.6(GJB1):c.260C>G (p.Pro87Arg)

Gene: GJB1 (gap junction protein beta 1; plus strand). Cytogenetic location: Xq13.1.
Variant type: single nucleotide variant.
Coding change: c.260C>G on transcript NM_000166.6 (MANE Select); coding-DNA position 260, C replaced by G.
Protein change: p.Pro87Arg; replaces proline 87 with arginine.
Molecular consequence: missense variant.
Genome position (GRCh38, 1-based): chrX:71,223,967, C>G. VCF-style: chrX-71223967-C-G. GRCh37 (hg19) VCF-style: chrX-70443817-C-G.
Other names: c.260C>G, p.Pro87Arg (NM_001097642.3); short protein forms P87R.
Identifiers: ClinVar variation 3340464 (VCV003340464.6).

ClinVar aggregate classification (germline): Pathogenic/Likely pathogenic. Review status: criteria provided, multiple submitters, no conflicts (2 of 4 stars). 2 submissions from 2 submitters: Pathogenic (1); Likely pathogenic (1). Last evaluated 2024-09-19.

Conditions:
Charcot-Marie-Tooth disease X-linked dominant 1. Also called: CHARCOT-MARIE-TOOTH NEUROPATHY, X-LINKED, 1; CHARCOT-MARIE-TOOTH PERONEAL MUSCULAR ATROPHY, X-LINKED; X-linked Charcot-Marie-Tooth disease type 1; GJB1 Disorders: Charcot-Marie-Tooth Neuropathy (CMT1X) and Central Nervous System Phenotypes; HEREDITARY MOTOR AND SENSORY NEUROPATHY, X-LINKED; HMSN, X-LINKED. Identifiers: Orphanet 101075, MedGen C0393808, MONDO:0010549, OMIM 302800.

Submissions (2):

Department of Human Genetics, Hannover Medical School
Classification: Likely pathogenic for Charcot-Marie-Tooth disease X-linked dominant 1. Last evaluated: 2024-09-19. Review status: criteria provided, single submitter. Criteria: ACMG Guidelines, 2015. Collection method: clinical testing. Allele origin: germline. Affected: yes.
Comment: ACMG/ ClinGen SVI: PS4_Moderate PM2_Supporting, PP3_Strong

Institute of Human Genetics Munich, TUM University Hospital
Classification: Pathogenic for Charcot-Marie-Tooth disease X-linked dominant 1. Last evaluated: 2024-09-10. Review status: criteria provided, single submitter. Criteria: Classification criteria August 2017. Collection method: clinical testing. Allele origin: germline. Inheritance: X-linked inheritance. Affected: yes. Observed: 1 variant allele.